The following is an entry in ClinVar:

NM_001304548.2(CFAP47):c.2890A>G (p.Ser964Gly)

Gene: CFAP47 (cilia and flagella associated protein 47; plus strand). Cytogenetic location: Xp21.1.
Variant type: single nucleotide variant.
Coding change: c.2890A>G on transcript NM_001304548.2 (MANE Select); coding-DNA position 2890, A replaced by G.
Protein change: p.Ser964Gly; replaces serine 964 with glycine.
Molecular consequence: missense variant.
Genome position (GRCh38, 1-based): chrX:35,991,866, A>G. VCF-style: chrX-35991866-A-G. GRCh37 (hg19) VCF-style: chrX-36009983-A-G.
Other names: short protein forms S964G.
Identifiers: ClinVar variation 1676151 (VCV001676151.33), dbSNP rs1936793547, ClinGen allele CA412688925.

ClinVar aggregate classification (germline): Uncertain significance. Review status: criteria provided, multiple submitters, no conflicts (2 of 4 stars). 2 submissions from 2 submitters: Uncertain significance (2). Last evaluated 2025-09-26.

Conditions:
Spermatogenic failure, X-linked, 3. Identifiers: MedGen C5542347, MONDO:0025354, OMIM 301059.

Allele frequency attached by ClinVar (database versions not stated): TOPMed below 0.00001; gnomAD exomes 0.00008.
gnomAD v4.1: 14 of 296,728 alleles (0.0047%); highest among the groups gnomAD compares: Middle Eastern, 0.089%; no homozygotes.

Submissions (2):

3billion
Classification: Uncertain significance for Spermatogenic failure, X-linked, 3. Last evaluated: 2025-09-26. Review status: criteria provided, single submitter. Criteria: ACMG Guidelines, 2015. Collection method: clinical testing. Allele origin: germline. Affected: yes.
Comment: The variant is observed at an extremely low frequency in the gnomAD v4.1.0 dataset (total allele frequency: 0.008%). Predicted Consequence/Location: Missense variant The variant has been reported as of uncertain significance (ClinVar ID: VCV001676151). Therefore, this variant is classified as VUS according to the recommendation of ACMG/AMP guideline.

CeGaT Center for Human Genetics Tuebingen
Classification: Uncertain significance. Last evaluated: 2022-02-01. Review status: criteria provided, single submitter. Criteria: CeGaT Center For Human Genetics Tuebingen Variant Classification Criteria Version 2. Collection method: clinical testing. Allele origin: germline. Affected: yes. Observed: 1 variant allele.